The following is an entry in ClinVar:

ClinVar aggregate classification (germline): Benign. Review status: reviewed by expert panel (3 of 4 stars). 3 submissions from 3 submitters: Benign (1). 2 of the submissions do not count toward it. Last evaluated 2026-01-04.

Conditions:
BRCA2-related cancer predisposition. Identifiers: MedGen CN377758, MONDO:0700269.
Breast-ovarian cancer, familial, susceptibility to, 2 (BROVCA2). Also called: BRCA2 Hereditary Breast and Ovarian Cancer. Identifiers: Orphanet 145, MedGen C2675520, MONDO:0012933, OMIM 612555. Disease mechanism: loss of function.

Submissions (3):

ClinGen ENIGMA BRCA1 and BRCA2 Variant Curation Expert Panel, ClinGen
Classification: Benign for BRCA2-related cancer predisposition. Last evaluated: 2026-01-04. Review status: reviewed by expert panel. Criteria: CSpec BRCA12ACMG Rules Specifications V1.1. Collection method: curation. Allele origin: germline. Inheritance: Autosomal dominant inheritance.
Comment: The c.3904_3906del variant in BRCA2 is predicted to cause a change in the length of the protein due to an in-frame deletion of 1 amino acid (p.(Thr1302del)). This deletion variant was not observed in gnomAD v2.1 (exomes only, non-cancer subset) or gnomAD v3.1 (non-cancer subset), but PM2_Supporting was not applied since recall is suboptimal for this type of variant (PM2_Supporting not met). Reported by one calibrated study to exhibit protein function similar to benign control variants (PMID:33293522) (BS3 met). This in-frame deletion variant is located outside of a key functional domain and was not predicted to alter mRNA splicing using SpliceAI (score 0, score threshold ≤0.1) (BP1_Strong met). In summary, this variant meets the criteria to be classified as a Benign variant for BRCA2-related cancer predisposition based on the ACMG/AMP criteria applied as specified by the ENIGMA BRCA1/2 VCEP (BS3, BP1_Strong).

OMIM
Classification: Pathogenic for BREAST-OVARIAN CANCER, FAMILIAL, SUSCEPTIBILITY TO, 2. Last evaluated: 1996-03-01. Review status: no assertion criteria provided. Collection method: literature only. Allele origin: germline. Not counted in ClinVar's aggregate classification.

Breast Cancer Information Core (BIC) (BRCA2)
Classification: Uncertain significance for Breast-ovarian cancer, familial 2. Review status: no assertion criteria provided. Collection method: clinical testing. Allele origin: unknown. Affected: yes. Observed: 1 variant allele. Not counted in ClinVar's aggregate classification.

Literature cited by the submitters: PubMed 8589730 (cited by OMIM).

NM_000059.4(BRCA2):c.3901ACT[1] (p.Thr1302del)

Gene: BRCA2 (BRCA2 DNA repair associated; plus strand). Cytogenetic location: 13q13.1.
Variant type: Microsatellite.
Coding change: c.3901ACT[1] on transcript NM_000059.4 (MANE Select); one copy of the 3-base unit ACT starting at c.3901; the reference has two copies in a row; one copy, 3 bases deleted.
Protein change: p.Thr1302del; deletes threonine 1302.
Molecular consequence: inframe deletion.
Genome position (GRCh38, 1-based): chr13:32,338,259-32,338,261, ACT deleted; deleting any 3 consecutive bases within chr13:32,338,256-32,338,261 gives the same sequence; the position shown is the placement nearest the transcript's 3' end. VCF-style (leftmost placement, unchanged base first): chr13-32338255-GACT-G. GRCh37 (hg19) VCF-style: chr13-32912392-GACT-G.
Other names: BRCA2, 3-BP DEL, THR1302DEL; NM_000059.4(BRCA2):c.3901ACT[1]; p.Thr1302del; c.3904_3906delACT (NM_000059.3); short protein forms T1302del.
Identifiers: ClinVar variation 9324 (VCV000009324.5), dbSNP rs80359414, ClinGen allele CA019106.
Genomic context (GRCh38, chr13:32,338,255, plus strand): 5'-TAAAACTGTAAGTGAAAAAAATAATAAATGCCAACTGATATTACAAAATAATATTGAAAT[GACT>G]ACTGGCACTTTTGTTGAAGAAATTACTGAAAATTACAAGAGAAATACTGAAAATGAAGAT-3'